The following is an entry in ClinVar:

NM_006231.4(POLE):c.4169G>T (p.Arg1390Leu)

Gene: POLE (DNA polymerase epsilon, catalytic subunit; minus strand). Cytogenetic location: 12q24.33.
Variant type: single nucleotide variant.
Coding change: c.4169G>T on transcript NM_006231.4 (MANE Select); coding-DNA position 4169, G replaced by T.
Protein change: p.Arg1390Leu; replaces arginine 1390 with leucine.
Molecular consequence: missense variant.
Genome position (GRCh38, 1-based): chr12:132,643,958, C>A on the plus strand (G>T on the coding strand, the complement: POLE is on the minus strand). VCF-style: chr12-132643958-C-A. GRCh37 (hg19) VCF-style: chr12-133220544-C-A.
Other names: c.4169G>T (NM_006231.2); short protein forms R1390L.
Identifiers: ClinVar variation 2792190 (VCV002792190.5), dbSNP rs200776293, ClinGen allele CA387382464.

ClinVar aggregate classification (germline): Uncertain significance. Review status: criteria provided, multiple submitters, no conflicts (2 of 4 stars). 3 submissions from 3 submitters: Uncertain significance (3). Last evaluated 2026-04-23.

Conditions:
Hereditary cancer-predisposing syndrome. Also called: Hereditary Cancer Syndrome; Tumor predisposition; Hereditary neoplastic syndrome; Neoplastic Syndromes, Hereditary. Identifiers: Orphanet 140162, MedGen C0027672, MeSH D009386, MONDO:0015356.

gnomAD v4.1: 2 of 1,613,226 alleles (0.00012%); highest among the groups gnomAD compares: South Asian, 0.0022%; no homozygotes.

Submissions (3):

Ambry Genetics
Classification: Uncertain significance for Hereditary cancer-predisposing syndrome. Last evaluated: 2026-04-23. Review status: criteria provided, single submitter. Criteria: Ambry Variant Classification Scheme 2023. Collection method: clinical testing. Allele origin: germline.
Comment: The p.R1390L variant (also known as c.4169G>T), located in coding exon 33 of the POLE gene, results from a G to T substitution at nucleotide position 4169. The arginine at codon 1390 is replaced by leucine, an amino acid with dissimilar properties. This amino acid position is highly conserved in available vertebrate species. In addition, this alteration is predicted to be deleterious by in silico analysis. Based on the available evidence, the clinical significance of this variant remains unclear.

Blueprint Genetics
Classification: Uncertain significance. Last evaluated: 2024-03-20. Review status: criteria provided, single submitter. Criteria: ACMG Guidelines, 2015. Collection method: clinical testing. Allele origin: germline.

Labcorp Genetics (formerly Invitae), Labcorp
Classification: Uncertain significance. Last evaluated: 2023-05-20. Review status: criteria provided, single submitter. Criteria: Invitae Variant Classification Sherloc (09022015). Collection method: clinical testing. Allele origin: germline.
Comment: This variant has not been reported in the literature in individuals affected with POLE-related conditions. This variant is not present in population databases (gnomAD no frequency). This sequence change replaces arginine, which is basic and polar, with leucine, which is neutral and non-polar, at codon 1390 of the POLE protein (p.Arg1390Leu). In summary, the available evidence is currently insufficient to determine the role of this variant in disease. Therefore, it has been classified as a Variant of Uncertain Significance. Advanced modeling of protein sequence and biophysical properties (such as structural, functional, and spatial information, amino acid conservation, physicochemical variation, residue mobility, and thermodynamic stability) performed at Invitae indicates that this missense variant is expected to disrupt POLE protein function.